The following is an entry in ClinVar:

ClinVar aggregate classification (germline): Uncertain significance (1 of 4 stars; one submission).

Allele frequency attached by ClinVar (database versions not stated): TOPMed 0.00004; gnomAD 0.00005; gnomAD exomes 0.00005; ExAC 0.00007.
gnomAD v4.1: 77 of 1,545,232 alleles (0.005%); highest among the groups gnomAD compares: Middle Eastern, 0.022%; no homozygotes.

Submission:

Labcorp Genetics (formerly Invitae), Labcorp
Classification: Uncertain significance. Last evaluated: 2022-04-01. Review status: criteria provided, single submitter. Criteria: Invitae Variant Classification Sherloc (09022015). Collection method: clinical testing. Allele origin: germline.
Comment: This sequence change replaces leucine, which is neutral and non-polar, with histidine, which is basic and polar, at codon 13 of the GDF1 protein (p.Leu13His). The frequency data for this variant in the population databases is considered unreliable, as metrics indicate poor data quality at this position in the gnomAD database. This variant has not been reported in the literature in individuals affected with GDF1-related conditions. Algorithms developed to predict the effect of missense changes on protein structure and function are either unavailable or do not agree on the potential impact of this missense change (SIFT: "Tolerated"; PolyPhen-2: "Not Available"; Align-GVGD: "Class C0"). In summary, the available evidence is currently insufficient to determine the role of this variant in disease. Therefore, it has been classified as a Variant of Uncertain Significance.

NM_001492.6(GDF1):c.38T>A (p.Leu13His)

Genes: CERS1 (ceramide synthase 1; minus strand), GDF1 (growth differentiation factor 1; minus strand). Cytogenetic location: 19p13.11.
Variant type: single nucleotide variant.
Coding change: c.38T>A on transcript NM_001492.6 (MANE Select); coding-DNA position 38, T replaced by A.
Protein change: p.Leu13His; replaces leucine 13 with histidine.
Molecular consequence: missense variant. On other transcripts: 3 prime UTR variant (2).
Genome position (GRCh38, 1-based): chr19:18,870,270, A>T on the plus strand (T>A on the coding strand, the complement: GDF1 is on the minus strand). VCF-style: chr19-18870270-A-T. GRCh37 (hg19) VCF-style: chr19-18981079-A-T.
Other names: c.*307T>A (NM_001387440.1, NM_021267.5); c.38T>A, p.Leu13His (NM_001387438.1); short protein forms L13H.
Identifiers: ClinVar variation 2075826 (VCV002075826.1), dbSNP rs772809060, ClinGen allele CA9318023.